The following is an entry in ClinVar:

NM_002439.5(MSH3):c.1699A>G (p.Thr567Ala)

Gene: MSH3 (mutS homolog 3; plus strand). Cytogenetic location: 5q14.1.
Variant type: single nucleotide variant.
Coding change: c.1699A>G on transcript NM_002439.5 (MANE Select); coding-DNA position 1699, A replaced by G.
Protein change: p.Thr567Ala; replaces threonine 567 with alanine.
Molecular consequence: missense variant.
Genome position (GRCh38, 1-based): chr5:80,744,551, A>G. VCF-style: chr5-80744551-A-G. GRCh37 (hg19) VCF-style: chr5-80040370-A-G.
Other names: c.1699A>G (NM_002439.3); short protein forms T567A.
Identifiers: ClinVar variation 665230 (VCV000665230.9), dbSNP rs1580599393, ClinGen allele CA360274720.

ClinVar aggregate classification (germline): Uncertain significance. Review status: criteria provided, multiple submitters, no conflicts (2 of 4 stars). 2 submissions from 2 submitters: Uncertain significance (2). Last evaluated 2026-02-11.

Conditions:
Hereditary cancer-predisposing syndrome. Also called: Neoplastic Syndromes, Hereditary; Hereditary neoplastic syndrome; Tumor predisposition; Hereditary Cancer Syndrome. Identifiers: Orphanet 140162, MedGen C0027672, MeSH D009386, MONDO:0015356.

Allele frequency attached by ClinVar (database versions not stated): TOPMed below 0.00001.

Submissions (2):

Ambry Genetics
Classification: Uncertain significance for Hereditary cancer-predisposing syndrome. Last evaluated: 2026-02-11. Review status: criteria provided, single submitter. Criteria: Ambry Variant Classification Scheme 2023. Collection method: clinical testing. Allele origin: germline.
Comment: The p.T567A variant (also known as c.1699A>G), located in coding exon 12 of the MSH3 gene, results from an A to G substitution at nucleotide position 1699. The threonine at codon 567 is replaced by alanine, an amino acid with similar properties. This amino acid position is highly conserved in available vertebrate species. In addition, this alteration is predicted to be deleterious by in silico analysis. Based on the available evidence, the clinical significance of this variant remains unclear.

Labcorp Genetics (formerly Invitae), Labcorp
Classification: Uncertain significance. Last evaluated: 2018-12-06. Review status: criteria provided, single submitter. Criteria: Invitae Variant Classification Sherloc (09022015). Collection method: clinical testing. Allele origin: germline.
Comment: This variant is not present in population databases (ExAC no frequency). In summary, the available evidence is currently insufficient to determine the role of this variant in disease. Therefore, it has been classified as a Variant of Uncertain Significance. Algorithms developed to predict the effect of missense changes on protein structure and function are either unavailable or do not agree on the potential impact of this missense change (SIFT: "Deleterious"; PolyPhen-2: "Probably Damaging"; Align-GVGD: "Class C0"). This variant has not been reported in the literature in individuals with MSH3-related conditions. This sequence change replaces threonine with alanine at codon 567 of the MSH3 protein (p.Thr567Ala). The threonine residue is highly conserved and there is a small physicochemical difference between threonine and alanine.